The following is an entry in ClinVar:

ClinVar aggregate classification (germline): Conflicting classifications of pathogenicity. Review status: criteria provided, conflicting classifications (1 of 4 stars). 2 submissions from 2 submitters: Likely pathogenic (1); Uncertain significance (1). Last evaluated 2024-05-30.

Allele frequency attached by ClinVar (database versions not stated): gnomAD exomes below 0.00001; ExAC 0.00001.
gnomAD v4.1: 2 of 1,614,018 alleles (0.00012%); highest among the groups gnomAD compares: South Asian, 0.0011%; no homozygotes.

Submissions (2):

Women's Health and Genetics/Laboratory Corporation of America, LabCorp
Classification: Uncertain significance. Last evaluated: 2024-05-30. Review status: criteria provided, single submitter. Criteria: LabCorp Variant Classification Summary - May 2015. Collection method: clinical testing. Allele origin: germline.
Comment: Variant summary: POLG c.2867G>A (p.Gly956Asp) results in a non-conservative amino acid change located in the DNA polymerase gamma, palm domain (IPR047580) of the encoded protein sequence. Five of five in-silico tools predict a damaging effect of the variant on protein function. The variant allele was found at a frequency of 4e-06 in 251248 control chromosomes. The available data on variant occurrences in the general population are insufficient to allow any conclusion about variant significance. c.2867G>A has been reported in the literature in the compound heterozygous state with a pathogenic variant in an individual affected with clinical features (ataxia) of POLG-Related Mitochondrial DNA Depletion Syndrome (Martin-Saavedra_2022). These data do not allow any conclusion about variant significance. To our knowledge, no experimental evidence demonstrating an impact on protein function has been reported. The following publication have been ascertained in the context of this evaluation (PMID: 34052969). ClinVar contains an entry for this variant (Variation ID: 422473). Based on the evidence outlined above, the variant was classified as uncertain significance.

GeneDx
Classification: Likely pathogenic. Last evaluated: 2018-02-13. Review status: criteria provided, single submitter. Criteria: GeneDx Variant Classification (06012015). Collection method: clinical testing. Allele origin: germline. Affected: yes.
Comment: The G956D variant has not been published as a pathogenic variant, nor has it been reported as a benign variant to our knowledge. The G956D variant was not observed in approximately 6500 individuals of European and African American ancestry in the NHLBI Exome Sequencing Project, indicating it is not a common benign variant in these populations. The G956D variant is a non-conservative amino acid substitution, which is likely to impact secondary protein structure as these residues differ in polarity, charge, size and/or other properties. This substitution occurs at a position that is conserved across species. In silico analysis predicts this variant is probably damaging to the protein structure/function. In summary, based on the currently available information, it is unclear whether this variant is a pathogenic variant or a rare benign variant.

Literature cited by the submitters: PubMed 34052969 (cited by Women's Health and Genetics/Laboratory Corporation of America, LabCorp).

NM_002693.3(POLG):c.2867G>A (p.Gly956Asp)

Genes: POLG (DNA polymerase gamma, catalytic subunit; minus strand), POLGARF (POLG alternative reading frame; minus strand). Cytogenetic location: 15q26.1.
Variant type: single nucleotide variant.
Coding change: c.2867G>A on transcript NM_002693.3 (MANE Select); coding-DNA position 2867, G replaced by A.
Protein change: p.Gly956Asp; replaces glycine 956 with aspartic acid.
Molecular consequence: missense variant.
Genome position (GRCh38, 1-based): chr15:89,320,880, C>T on the plus strand (G>A on the coding strand, the complement: POLG is on the minus strand). VCF-style: chr15-89320880-C-T. GRCh37 (hg19) VCF-style: chr15-89864111-C-T.
Other names: c.2867G>A, p.Gly956Asp (NM_001126131.2); short protein forms G956D.
Identifiers: ClinVar variation 422473 (VCV000422473.3), dbSNP rs758613718, ClinGen allele CA7724337.